The following is an entry in ClinVar:

ClinVar aggregate classification (germline): Uncertain significance (1 of 4 stars; one submission).

Conditions:
Myopathy, centronuclear, 2 (CNM2). Also called: MYOTUBULAR MYOPATHY, AUTOSOMAL RECESSIVE. Identifiers: Orphanet 169186, MedGen CN031787, MONDO:0009709, OMIM 255200.

Submission:

Labcorp Genetics (formerly Invitae), Labcorp
Classification: Uncertain significance for Myopathy, centronuclear, 2. Last evaluated: 2022-07-18. Review status: criteria provided, single submitter. Criteria: Invitae Variant Classification Sherloc (09022015). Collection method: clinical testing. Allele origin: germline.
Comment: In summary, the available evidence is currently insufficient to determine the role of this variant in disease. Therefore, it has been classified as a Variant of Uncertain Significance. Experimental studies and prediction algorithms are not available or were not evaluated, and the functional significance of this variant is currently unknown. This variant has not been reported in the literature in individuals affected with BIN1-related conditions. This variant results in a copy number gain of the genomic region encompassing exon(s) 3-7 of the BIN1 gene. While the exact position of this variant cannot be determined from the data, sub-genic copy number gains are generally in tandem (PMID: 25640679). This variant is predicted to be in-frame, and likely preserves the integrity of the reading frame.

Literature cited by the submitters: PubMed 25640679.

NC_000002.11:g.(?_127825719)_(127828412_?)dup

Gene: BIN1 (bridging integrator 1; minus strand). Cytogenetic location: 2q14.3.
Variant type: Duplication.
Identifiers: ClinVar variation 2427288 (VCV002427288.4).